The following is an entry in ClinVar:

NM_006302.3(MOGS):c.579+6G>A

Gene: MOGS (mannosyl-oligosaccharide glucosidase; minus strand). Cytogenetic location: 2p13.1.
Variant type: single nucleotide variant.
Coding change: c.579+6G>A on transcript NM_006302.3 (MANE Select); 6 bases into the intron after coding-DNA position 579, G replaced by A.
Molecular consequence: intron variant.
Genome position (GRCh38, 1-based): chr2:74,464,490, C>T on the plus strand (G>A on the coding strand, the complement: MOGS is on the minus strand). VCF-style: chr2-74464490-C-T. GRCh37 (hg19) VCF-style: chr2-74691617-C-T.
Other names: c.261+6G>A (NM_001146158.2).
Identifiers: ClinVar variation 939960 (VCV000939960.1), dbSNP rs1191203458, ClinGen allele CA533713916.

ClinVar aggregate classification (germline): Uncertain significance (1 of 4 stars; one submission).

Conditions:
MOGS-congenital disorder of glycosylation. Also called: MOGS-CDG; GLUCOSIDASE I DEFICIENCY; CDG IIb; CDG 2B. Identifiers: Orphanet 79330, MedGen C1853736, MONDO:0011629, OMIM 606056.

Allele frequency attached by ClinVar (database versions not stated): gnomAD exomes 0.00001; TOPMed 0.00001.
gnomAD v4.1: 9 of 1,613,794 alleles (0.00056%); highest among the groups gnomAD compares: African/African-American, 0.0027%; no homozygotes.

Submission:

Labcorp Genetics (formerly Invitae), Labcorp
Classification: Uncertain significance for Congenital disorder of glycosylation type 2B. Last evaluated: 2019-07-15. Review status: criteria provided, single submitter. Criteria: Invitae Variant Classification Sherloc (09022015). Collection method: clinical testing. Allele origin: germline.
Comment: This sequence change falls in intron 2 of the MOGS gene. It does not directly change the encoded amino acid sequence of the MOGS protein, but it affects a nucleotide within the consensus splice site of the intron. This variant is not present in population databases (ExAC no frequency). This variant has not been reported in the literature in individuals with MOGS-related conditions. Nucleotide substitutions within the consensus splice site are a relatively common cause of aberrant splicing (PMID: 17576681, 9536098). Algorithms developed to predict the effect of sequence changes on RNA splicing suggest that this variant is not likely to affect RNA splicing, but this prediction has not been confirmed by published transcriptional studies. In summary, the available evidence is currently insufficient to determine the role of this variant in disease. Therefore, it has been classified as a Variant of Uncertain Significance.